The following is an entry in ClinVar:

ClinVar aggregate classification (germline): Pathogenic/Likely pathogenic. Review status: criteria provided, multiple submitters, no conflicts (2 of 4 stars). 2 submissions from 2 submitters: Pathogenic (1); Likely pathogenic (1). Last evaluated 2025-05-01.

Conditions:
Polycystic kidney disease, adult type (PKD1). Also called: Polycystic Kidney Disease 1, Autosomal Dominant; Polycystic kidney disease 1; Polycystic kidney disease 1, severe; Polycystic Kidney, Autosomal Dominant; POLYCYSTIC KIDNEY DISEASE 1 WITH OR WITHOUT POLYCYSTIC LIVER DISEASE; POLYCYSTIC KIDNEY DISEASE, ADULT, TYPE I. Identifiers: MedGen C3149841, MONDO:0008263, OMIM 173900.

Submissions (2):

Women's Health and Genetics/Laboratory Corporation of America, LabCorp
Classification: Likely pathogenic for Polycystic kidney disease, adult type. Last evaluated: 2025-05-01. Review status: criteria provided, single submitter. Criteria: LabCorp Variant Classification Summary - May 2015. Collection method: clinical testing. Allele origin: germline.
Comment: Variant summary: PKD1 c.10821+2T>G is located in a canonical splice-site and is predicted to affect mRNA splicing resulting in a significantly altered protein due to either exon skipping, shortening, or inclusion of intronic material. Variants that disrupt the consensus splice site are a relatively common cause of aberrant splicing and loss of PKD1 function. Several computational tools predict a significant impact on normal splicing: Four predict the variant abolishes a 5' splicing donor site. However, these predictions have yet to be confirmed by functional studies. The variant was absent in 162408 control chromosomes. To our knowledge, no occurrence of c.10821+2T>G in individuals affected with Polycystic Kidney Disease 1 and no experimental evidence demonstrating its impact on protein function have been reported. No submitters have cited clinical-significance assessments for this variant to ClinVar. Based on the evidence outlined above, the variant was classified as likely pathogenic.

Juno Genomics, Hangzhou Juno Genomics, Inc
Classification: Pathogenic for Polycystic kidney disease, adult type. Review status: criteria provided, single submitter. Criteria: ACMG Guidelines, 2015. Collection method: clinical testing. Allele origin: germline. Affected: yes.
Comment: Absent from controls (or at extremely low frequency if recessive) in Genome Aggregation Database, Exome Sequencing Project, 1000 Genomes Project, or Exome Aggregation Consortium.;Null variant in a gene where loss of function (LOF) is a known mechanism of disease.;The prevalence of the variant in affected individuals is significantly increased compared to the prevalence in controls.;Patient's phenotype or family history is highly specific for a disease with a single genetic etiology.

NM_001009944.3(PKD1):c.10821+2T>G

Genes: PKD1 (polycystin 1, transient receptor potential channel interacting; minus strand), PKD1-AS1 (PKD1 antisense RNA 1; plus strand). Cytogenetic location: 16p13.3.
Variant type: single nucleotide variant.
Coding change: c.10821+2T>G on transcript NM_001009944.3 (MANE Select); the canonical splice donor site of the intron after coding-DNA position 10821, T replaced by G.
Molecular consequence: splice donor variant.
Genome position (GRCh38, 1-based): chr16:2,093,809, A>C on the plus strand (T>G on the coding strand, the complement: PKD1 is on the minus strand). VCF-style: chr16-2093809-A-C. GRCh37 (hg19) VCF-style: chr16-2143810-A-C.
Other names: c.10818+2T>G (NM_000296.4).
Identifiers: ClinVar variation 3902616 (VCV003902616.3).
Genomic context (GRCh38, chr16:2,093,809, plus strand): 5'-GGTGGCTTCAGAGGGGTCCCCCGTGATGGAGGCCTGTAGCCTACCCCTGGCAGCCCCCTC[A>C]CCTTCAGTGGCTCCCAGCCGAGGAATGAGGCCAGGAAGCTGGCGCTGCTGGACAGGAGCC-3'